The following is an entry in ClinVar:

NM_000183.3(HADHB):c.998C>T (p.Pro333Leu)

Gene: HADHB (hydroxyacyl-CoA dehydrogenase trifunctional multienzyme complex subunit beta; plus strand). Cytogenetic location: 2p23.3.
Variant type: single nucleotide variant.
Coding change: c.998C>T on transcript NM_000183.3 (MANE Select); coding-DNA position 998, C replaced by T.
Protein change: p.Pro333Leu; replaces proline 333 with leucine.
Molecular consequence: missense variant.
Genome position (GRCh38, 1-based): chr2:26,282,909, C>T. VCF-style: chr2-26282909-C-T. GRCh37 (hg19) VCF-style: chr2-26505777-C-T.
Other names: c.953C>T, p.Pro318Leu (NM_001281512.2); c.932C>T, p.Pro311Leu (NM_001281513.2); short protein forms P311L, P318L, P333L.
Identifiers: ClinVar variation 916538 (VCV000916538.8), dbSNP rs770736746, ClinGen allele CA1560407.
Genomic context (GRCh38, chr2:26,282,909, plus strand): 5'-ATGGTGCATCTGCAATGTTAATCATGGCGGAGGAAAAGGCTCTGGCCATGGGTTATAAGC[C>T]GAAGGCATATTTGAGGTAAAGTAAATGTTCAAACAAATCATCTCTGATTTCTTTATTTTA-3'
Protein context (NP_000174.1, residues 323-343): EEKALAMGYK[Pro333Leu]KAYLRDFMYV

ClinVar aggregate classification (germline): Conflicting classifications of pathogenicity. Review status: criteria provided, conflicting classifications (1 of 4 stars). 3 submissions from 3 submitters: Likely pathogenic (1); Uncertain significance (1). 1 of the submissions does not count toward it. Last evaluated 2025-09-17.

Conditions:
Mitochondrial trifunctional protein deficiency. Identifiers: Orphanet 746, MedGen C1969443, MONDO:0012172.

Allele frequency attached by ClinVar (database versions not stated): ExAC 0.00001; gnomAD exomes 0.00001; TOPMed 0.00001.
gnomAD v4.1: 9 of 1,611,500 alleles (0.00056%); highest among the groups gnomAD compares: South Asian, 0.0044%; no homozygotes.

Submissions (3):

Women's Health and Genetics/Laboratory Corporation of America, LabCorp
Classification: Uncertain significance. Last evaluated: 2025-09-17. Review status: criteria provided, single submitter. Criteria: LabCorp Variant Classification Summary - May 2015. Collection method: clinical testing. Allele origin: germline.
Comment: Variant summary: HADHB c.998C>T (p.Pro333Leu) results in a non-conservative amino acid change in the encoded protein sequence. Algorithms developed to predict the effect of missense changes on protein structure and function all suggest that this variant is likely to be disruptive. The variant allele was found at a frequency of 8e-06 in 251396 control chromosomes. The available data on variant occurrences in the general population are insufficient to allow any conclusion about variant significance. c.998C>T has been reported in the literature in at least one compound heterozygous individual affected with Mitochondrial Trifunctional Protein Deficiency (Orstavik_2022). These data do not allow any conclusion about variant significance. To our knowledge, no experimental evidence demonstrating an impact on protein function has been reported. The following publication has been ascertained in the context of this evaluation (PMID: 35433169). ClinVar contains an entry for this variant (Variation ID: 916538). Based on the evidence outlined above, the variant was classified as uncertain significance.

Labcorp Genetics (formerly Invitae), Labcorp
Classification: Likely pathogenic for Mitochondrial trifunctional protein deficiency. Last evaluated: 2023-11-20. Review status: criteria provided, single submitter. Criteria: Invitae Variant Classification Sherloc (09022015). Collection method: clinical testing. Allele origin: germline.
Comment: This sequence change replaces proline, which is neutral and non-polar, with leucine, which is neutral and non-polar, at codon 333 of the HADHB protein (p.Pro333Leu). This variant is present in population databases (rs770736746, gnomAD 0.006%). This missense change has been observed in individual(s) with mitochondrial trifunctional protein deficiency (PMID: 35433169). In at least one individual the data is consistent with being in trans (on the opposite chromosome) from a pathogenic variant. ClinVar contains an entry for this variant (Variation ID: 916538). Advanced modeling of protein sequence and biophysical properties (such as structural, functional, and spatial information, amino acid conservation, physicochemical variation, residue mobility, and thermodynamic stability) performed at Invitae indicates that this missense variant is expected to disrupt HADHB protein function with a positive predictive value of 80%. In summary, the currently available evidence indicates that the variant is pathogenic, but additional data are needed to prove that conclusively. Therefore, this variant has been classified as Likely Pathogenic.

Department of Medical Genetics, University Hospital of North Norway
Classification: Uncertain significance for Mitochondrial trifunctional protein deficiency 1. Last evaluated: 2018-08-15. Review status: no assertion criteria provided. Collection method: clinical testing. Allele origin: germline. Inheritance: Autosomal recessive inheritance. Affected: yes. Observed: 1 heterozygote. Not counted in ClinVar's aggregate classification.

Literature cited by the submitters: PubMed 35433169 (cited by Women's Health and Genetics/Laboratory Corporation of America, LabCorp and Labcorp Genetics (formerly Invitae), Labcorp).